The following is an entry in ClinVar:

ClinVar aggregate classification (germline): Uncertain significance. Review status: criteria provided, multiple submitters, no conflicts (2 of 4 stars). 2 submissions from 2 submitters: Uncertain significance (2). Last evaluated 2020-10-19.

Conditions:
Early-infantile DEE. Also called: Ohtahara syndrome; Early infantile epileptic encephalopathy with suppression bursts; Early infantile epileptic encephalopathy. Identifiers: Orphanet 1934, MedGen C0393706, MONDO:0800491.

Submissions (2):

GeneDx
Classification: Uncertain significance. Last evaluated: 2020-10-19. Review status: criteria provided, single submitter. Criteria: GeneDx Variant Classification Process June 2021. Collection method: clinical testing. Allele origin: germline. Affected: yes.
Comment: Reported previously as a maternally inherited variant in an individual with GEFS+; maternal phenotype not provided (Zuberi et al., 2011); In silico analysis supports that this variant does not alter splicing; Not observed in large population cohorts (Lek et al., 2016); This variant is associated with the following publications: (PMID: 25525159, 29408779, 21248271, 32090326)

Labcorp Genetics (formerly Invitae), Labcorp
Classification: Uncertain significance for Early-infantile DEE. Last evaluated: 2020-08-27. Review status: criteria provided, single submitter. Criteria: Invitae Variant Classification Sherloc (09022015). Collection method: clinical testing. Allele origin: germline.
Comment: In summary, the available evidence is currently insufficient to determine the role of this variant in disease. Therefore, it has been classified as a Variant of Uncertain Significance. This sequence change falls in intron 1 of the SCN1A gene. It does not directly change the encoded amino acid sequence of the SCN1A protein, but it affects a nucleotide within the consensus splice site of the intron. This variant is not present in population databases (ExAC no frequency). This variant has been observed in individual(s) with genetic epilepsy with febrile seizures plus (GEFS+) (PMID: 21248271). Nucleotide substitutions within the consensus splice site are a relatively common cause of aberrant splicing (PMID: 17576681, 9536098). Algorithms developed to predict the effect of sequence changes on RNA splicing suggest that this variant is not likely to affect RNA splicing, but this prediction has not been confirmed by published transcriptional studies. This variant disrupts the c.265-3C nucleotide in the SCN1A gene. Other variant(s) that disrupt this nucleotide have been determined to be pathogenic (PMID: 17561957, Invitae). This suggests that this nucleotide is clinically-significant, and that variants that disrupt this position are likely to be disease-causing.

Literature cited by the submitters: PubMed 21248271 (cited by Labcorp Genetics (formerly Invitae), Labcorp); PubMed 17576681 (cited by Labcorp Genetics (formerly Invitae), Labcorp); PubMed 9536098 (cited by Labcorp Genetics (formerly Invitae), Labcorp); PubMed 17561957 (cited by Labcorp Genetics (formerly Invitae), Labcorp).

NM_001165963.4(SCN1A):c.265-3C>T

Gene: SCN1A (sodium voltage-gated channel alpha subunit 1; minus strand). Cytogenetic location: 2q24.3.
Variant type: single nucleotide variant.
Coding change: c.265-3C>T on transcript NM_001165963.4 (MANE Select); 3 bases into the intron before coding-DNA position 265, C replaced by T.
Molecular consequence: intron variant.
Genome position (GRCh38, 1-based): chr2:166,058,691, G>A on the plus strand (C>T on the coding strand, the complement: SCN1A is on the minus strand). VCF-style: chr2-166058691-G-A. GRCh37 (hg19) VCF-style: chr2-166915201-G-A.
Other names: c.265-3C>T (NM_001353949.2, NM_001353958.2, NM_001353950.2 and 10 more transcripts); c.-2161-3C>T (NM_001353961.2).
Identifiers: ClinVar variation 1057585 (VCV001057585.11), dbSNP rs1553553614, ClinGen allele CA2499215213.